The following is an entry in ClinVar:

NM_000051.4(ATM):c.*13G>C

Genes: C11orf65 (chromosome 11 open reading frame 65; minus strand), ATM (ATM serine/threonine kinase; plus strand). Cytogenetic location: 11q22.3.
Variant type: single nucleotide variant.
Coding change: c.*13G>C on transcript NM_000051.4 (MANE Select); 13 bases downstream of the stop codon, G replaced by C.
Molecular consequence: 3 prime UTR variant. On other transcripts: intron variant (2).
Genome position (GRCh38, 1-based): chr11:108,365,521, G>C. VCF-style: chr11-108365521-G-C. GRCh37 (hg19) VCF-style: chr11-108236248-G-C.
Other names: c.*13G>C (NM_001351834.2); c.640+20399C>G (NM_001330368.2); c.694+20399C>G (NM_001351110.2).
Identifiers: ClinVar variation 923314 (VCV000923314.5), dbSNP rs1296955906, ClinGen allele CA602132879.

ClinVar aggregate classification (germline): Uncertain significance (1 of 4 stars; one submission).

Conditions:
Hereditary cancer-predisposing syndrome. Also called: Tumor predisposition; Neoplastic Syndromes, Hereditary; Hereditary neoplastic syndrome; Hereditary Cancer Syndrome. Identifiers: Orphanet 140162, MedGen C0027672, MeSH D009386, MONDO:0015356.

Allele frequency attached by ClinVar (database versions not stated): gnomAD exomes 0.00001 and below 0.00001.
gnomAD v4.1: 2 of 1,613,436 alleles (0.00012%); highest among the groups gnomAD compares: Non-Finnish European, 0.00017%; no homozygotes.

Submission:

Color Diagnostics, LLC DBA Color Health
Classification: Uncertain significance for Hereditary cancer-predisposing syndrome. Last evaluated: 2019-08-08. Review status: criteria provided, single submitter. Criteria: ACMG Guidelines, 2015. Collection method: clinical testing. Allele origin: germline.
Comment: This variant is located in the 3' untranslated region of the ATM gene. To our knowledge, functional assays have not been performed for this variant nor has this variant been reported in individuals affected with hereditary cancer in the literature. This variant has been identified in 2/249618 chromosomes in the general population by the Genome Aggregation Database (gnomAD). Available evidence is insufficient to determine the role of this variant in disease conclusively. Therefore, this variant is classified as a Variant of Uncertain Significance.